The following is an entry in ClinVar:

ClinVar aggregate classification (germline): Uncertain significance. Review status: criteria provided, multiple submitters, no conflicts (2 of 4 stars). 2 submissions from 2 submitters: Uncertain significance (2). Last evaluated 2024-02-19.

Conditions:
Familial cancer of breast. Also called: BREAST CANCER, FAMILIAL; hereditary breast carcinoma; Hereditary breast cancer. Identifiers: Orphanet 227535, MedGen C0346153, MONDO:0016419, OMIM 114480. Disease mechanism: loss of function.
Hereditary cancer-predisposing syndrome. Also called: Neoplastic Syndromes, Hereditary; Tumor predisposition; Hereditary Cancer Syndrome; Hereditary neoplastic syndrome. Identifiers: Orphanet 140162, MedGen C0027672, MeSH D009386, MONDO:0015356.

Allele frequency attached by ClinVar (database versions not stated): gnomAD exomes below 0.00001; ExAC 0.00001.
gnomAD v4.1: 1 of 1,613,596 alleles (0.000062%); highest among the groups gnomAD compares: South Asian, 0.0011%; no homozygotes.

Submissions (2):

Labcorp Genetics (formerly Invitae), Labcorp
Classification: Uncertain significance for Familial cancer of breast. Last evaluated: 2024-02-19. Review status: criteria provided, single submitter. Criteria: Invitae Variant Classification Sherloc (09022015). Collection method: clinical testing. Allele origin: germline.
Comment: This sequence change replaces valine, which is neutral and non-polar, with alanine, which is neutral and non-polar, at codon 353 of the CHEK2 protein (p.Val353Ala). This variant is present in population databases (rs758434121, gnomAD 0.003%). This variant has not been reported in the literature in individuals affected with CHEK2-related conditions. ClinVar contains an entry for this variant (Variation ID: 460778). An algorithm developed to predict the effect of missense changes on protein structure and function (PolyPhen-2) suggests that this variant is likely to be disruptive. In summary, the available evidence is currently insufficient to determine the role of this variant in disease. Therefore, it has been classified as a Variant of Uncertain Significance.

Ambry Genetics
Classification: Uncertain significance for Hereditary cancer-predisposing syndrome. Last evaluated: 2021-03-12. Review status: criteria provided, single submitter. Criteria: Ambry Variant Classification Scheme 2023. Collection method: clinical testing. Allele origin: germline.
Comment: The p.V353A variant (also known as c.1058T>C), located in coding exon 9 of the CHEK2 gene, results from a T to C substitution at nucleotide position 1058. The valine at codon 353 is replaced by alanine, an amino acid with similar properties. This amino acid position is highly conserved in available vertebrate species. In addition, the in silico prediction for this alteration is inconclusive. Since supporting evidence is limited at this time, the clinical significance of this alteration remains unclear.

NM_007194.4(CHEK2):c.1058T>C (p.Val353Ala)

Gene: CHEK2 (checkpoint kinase 2; minus strand). Cytogenetic location: 22q12.1.
Variant type: single nucleotide variant.
Coding change: c.1058T>C on transcript NM_007194.4 (MANE Select); coding-DNA position 1058, T replaced by C.
Protein change: p.Val353Ala; replaces valine 353 with alanine.
Molecular consequence: missense variant. On other transcripts: intron variant (3).
Genome position (GRCh38, 1-based): chr22:28,696,938, A>G on the plus strand (T>C on the coding strand, the complement: CHEK2 is on the minus strand). VCF-style: chr22-28696938-A-G. GRCh37 (hg19) VCF-style: chr22-29092926-A-G.
Other names: c.1187T>C, p.Val396Ala (NM_001005735.3); c.395T>C, p.Val132Ala (NM_001257387.3, NM_001437942.1); c.857T>C, p.Val286Ala (NM_001349956.3); c.1151T>C, p.Val384Ala (NM_001438293.1); c.1009-1065T>C (NM_145862.3); c.1102-1065T>C (NM_001438295.1); c.1138-1065T>C (NM_001438294.1); short protein forms V353A, V396A, V132A, V286A, V384A.
Identifiers: ClinVar variation 460778 (VCV000460778.14), dbSNP rs758434121, ClinGen allele CA10167738.